The following is an entry in ClinVar:

ClinVar aggregate classification (germline): Pathogenic (1 of 4 stars; one submission).

Conditions:
Ataxia-telangiectasia syndrome (AT). Also called: LOUIS-BAR SYNDROME; Cerebello-oculocutaneous telangiectasia; Immunodeficiency with ataxia telangiectasia; AT, COMPLEMENTATION GROUP C; Ataxia-telangiectasia, complementation group D; ATAXIA-TELANGIECTASIA, COMPLEMENTATION GROUP A. Identifiers: Orphanet 100, MedGen C0004135, MONDO:0008840, OMIM 208900.

Submission:

Labcorp Genetics (formerly Invitae), Labcorp
Classification: Pathogenic for Ataxia-telangiectasia syndrome. Last evaluated: 2024-01-30. Review status: criteria provided, single submitter. Criteria: Invitae Variant Classification Sherloc (09022015). Collection method: clinical testing. Allele origin: unknown.
Comment: This variant is a gross deletion of the genomic region encompassing exon(s) 58-63 of the ATM gene, which includes the termination codon. This deletion extends beyond the assayed region for this gene and therefore may encompass additional genes. While this deletion is not anticipated to lead to nonsense mediated decay, it is expected to alter mRNA translation or result in a truncated protein product. This variant has not been reported in the literature in individuals affected with ATM-related conditions. This variant disrupts a region of the ATM protein in which other variant(s) (p.Phe2827Cys) have been determined to be pathogenic (PMID: 8755918, 30549301). This suggests that this is a clinically significant region of the protein, and that variants that disrupt it are likely to be disease-causing. For these reasons, this variant has been classified as Pathogenic.

Literature cited by the submitters: PubMed 8755918; PubMed 30549301.

NC_000011.9:g.(?_108216450)_(108236235_?)del

Gene: ATM (ATM serine/threonine kinase; plus strand). Cytogenetic location: 11q22.3.
Variant type: Deletion.
Identifiers: ClinVar variation 3244484 (VCV003244484.1).